The following is an entry in ClinVar:

ClinVar aggregate classification (germline): Uncertain significance (1 of 4 stars; one submission).

gnomAD v4.1: 3 of 1,613,980 alleles (0.00019%); highest among the groups gnomAD compares: African/African-American, 0.0013%; no homozygotes.

Submission:

Women's Health and Genetics/Laboratory Corporation of America, LabCorp
Classification: Uncertain significance. Last evaluated: 2024-10-08. Review status: criteria provided, single submitter. Criteria: LabCorp Variant Classification Summary - May 2015. Collection method: clinical testing. Allele origin: germline.
Comment: Variant summary: ATP5F1B c.317G>C (p.Ser106Thr) results in a conservative amino acid change located in the ATPase, F1/V1/A1 complex, alpha/beta subunit, N-terminal domain of the encoded protein sequence. Three of five in-silico tools predict a benign effect of the variant on protein function. The variant allele was found at a frequency of 1.9e-06 in 1613980 control chromosomes. The available data on variant occurrences in the general population are insufficient to allow any conclusion about variant significance. To our knowledge, no occurrence of c.317G>C in individuals affected with Hypermetabolism Due To Uncoupled Mitochondrial Oxidative Phosphorylation 2 and no experimental evidence demonstrating its impact on protein function have been reported. No submitters have cited clinical-significance assessments for this variant to ClinVar. Based on the evidence outlined above, the variant was classified as uncertain significance.

NM_001686.4(ATP5F1B):c.317G>C (p.Ser106Thr)

Gene: ATP5F1B (ATP synthase F1 subunit beta; minus strand). Cytogenetic location: 12q13.3.
Variant type: single nucleotide variant.
Coding change: c.317G>C on transcript NM_001686.4 (MANE Select); coding-DNA position 317, G replaced by C.
Protein change: p.Ser106Thr; replaces serine 106 with threonine.
Molecular consequence: missense variant.
Genome position (GRCh38, 1-based): chr12:56,644,949, C>G on the plus strand (G>C on the coding strand, the complement: ATP5F1B is on the minus strand). VCF-style: chr12-56644949-C-G. GRCh37 (hg19) VCF-style: chr12-57038733-C-G.
Other names: short protein forms S106T.
Identifiers: ClinVar variation 3384872 (VCV003384872.1).